The following is an entry in ClinVar:

ClinVar aggregate classification (germline): Uncertain significance (1 of 4 stars; one submission).

Submission:

Ambry Genetics
Classification: Uncertain significance. Last evaluated: 2026-06-27. Review status: criteria provided, single submitter. Criteria: Ambry Variant Classification Scheme 2023. Collection method: clinical testing. Allele origin: germline.
Comment: The p.V68M variant (also known as c.202G>A), located in coding exon 1 of the RNF43 gene, results from a G to A substitution at nucleotide position 202. The valine at codon 68 is replaced by methionine, an amino acid with highly similar properties. This amino acid position is conserved. In addition, this alteration is predicted to be tolerated by in silico analysis. Based on the available evidence, the clinical significance of this variant remains unclear.

NM_017763.6(RNF43):c.202G>A (p.Val68Met)

Gene: RNF43 (ring finger protein 43; minus strand). Cytogenetic location: 17q22.
Variant type: single nucleotide variant.
Coding change: c.202G>A on transcript NM_017763.6 (MANE Select); coding-DNA position 202, G replaced by A.
Protein change: p.Val68Met; replaces valine 68 with methionine.
Molecular consequence: missense variant. On other transcripts: intron variant (1).
Genome position (GRCh38, 1-based): chr17:58,415,376, C>T on the plus strand (G>A on the coding strand, the complement: RNF43 is on the minus strand). VCF-style: chr17-58415376-C-T. GRCh37 (hg19) VCF-style: chr17-56492737-C-T.
Other names: c.202G>A, p.Val68Met (NM_001305544.3, NM_001438820.1, NM_001438821.1 and 1 more transcripts); c.-130+1641G>A (NM_001437987.1); short protein forms V68M.
Identifiers: ClinVar variation 5028326 (VCV005028326.1).